The following is an entry in ClinVar:

NM_000051.4(ATM):c.2194A>C (p.Met732Leu)

Gene: ATM (ATM serine/threonine kinase; plus strand). Cytogenetic location: 11q22.3.
Variant type: single nucleotide variant.
Coding change: c.2194A>C on transcript NM_000051.4 (MANE Select); coding-DNA position 2194, A replaced by C.
Protein change: p.Met732Leu; replaces methionine 732 with leucine.
Molecular consequence: missense variant.
Genome position (GRCh38, 1-based): chr11:108,256,284, A>C. VCF-style: chr11-108256284-A-C. GRCh37 (hg19) VCF-style: chr11-108127011-A-C.
Other names: c.2194A>C, p.Met732Leu (NM_001351834.2); short protein forms M732L.
Identifiers: ClinVar variation 3893961 (VCV003893961.2).

ClinVar aggregate classification (germline): Uncertain significance. Review status: criteria provided, multiple submitters, no conflicts (2 of 4 stars). 2 submissions from 2 submitters: Uncertain significance (2). Last evaluated 2025-10-15.

Conditions:
Hereditary cancer-predisposing syndrome. Also called: Neoplastic Syndromes, Hereditary; Tumor predisposition; Hereditary Cancer Syndrome; Hereditary neoplastic syndrome. Identifiers: Orphanet 140162, MedGen C0027672, MeSH D009386, MONDO:0015356.

Submissions (2):

Ambry Genetics
Classification: Uncertain significance for Hereditary cancer-predisposing syndrome. Last evaluated: 2025-10-15. Review status: criteria provided, single submitter. Criteria: Ambry Variant Classification Scheme 2023. Collection method: clinical testing. Allele origin: germline.
Comment: The p.M732L variant (also known as c.2194A>C), located in coding exon 13 of the ATM gene, results from an A to C substitution at nucleotide position 2194. The methionine at codon 732 is replaced by leucine, an amino acid with highly similar properties. This amino acid position is conserved. In addition, this alteration is predicted to be tolerated by in silico analysis. Based on the available evidence, the clinical significance of this variant remains unclear.

Color Diagnostics, LLC DBA Color Health
Classification: Uncertain significance for Hereditary cancer-predisposing syndrome. Last evaluated: 2024-06-20. Review status: criteria provided, single submitter. Criteria: ACMG Guidelines, 2015. Collection method: clinical testing. Allele origin: germline.
Comment: This missense variant replaces methionine with leucine at codon 732 of the ATM protein. Computational prediction suggests that this variant may not impact protein structure and function (internally defined REVEL score threshold <= 0.5, PMID: 27666373). To our knowledge, functional studies have not been reported for this variant. This variant has not been reported in individuals affected with ATM-related disorders in the literature. This variant has not been identified in the general population by the Genome Aggregation Database (gnomAD). The available evidence is insufficient to determine the role of this variant in disease conclusively. Therefore, this variant is classified as a Variant of Uncertain Significance.